The following is an entry in ClinVar:

NM_002471.4(MYH6):c.806del (p.Leu269fs)

Gene: MYH6 (myosin heavy chain 6; minus strand). Cytogenetic location: 14q11.2.
Variant type: Deletion.
Coding change: c.806del on transcript NM_002471.4 (MANE Select); coding-DNA position 806, one base deleted (T; older notation c.806delT).
Protein change: p.Leu269fs; shifts the reading frame from leucine 269.
Molecular consequence: frameshift variant.
Genome position (GRCh38, 1-based): chr14:23,403,440, A deleted on the plus strand (T on the coding strand, the reverse complement: MYH6 is on the minus strand). VCF-style (leftmost placement, unchanged base first): chr14-23403439-CA-C. GRCh37 (hg19) VCF-style: chr14-23872648-CA-C.
Other names: short protein forms L269fs.
Identifiers: ClinVar variation 3018176 (VCV003018176.3), dbSNP rs1891674645, ClinGen allele CA2123450663.

ClinVar aggregate classification (germline): Uncertain significance (1 of 4 stars; one submission).

Conditions:
Hypertrophic cardiomyopathy 14. Identifiers: MedGen C2750467, MONDO:0013197, OMIM 613251.

Allele frequency attached by ClinVar (database versions not stated): gnomAD exomes 0.00001.

Submission:

Labcorp Genetics (formerly Invitae), Labcorp
Classification: Uncertain significance for Hypertrophic cardiomyopathy 14. Last evaluated: 2023-10-28. Review status: criteria provided, single submitter. Criteria: Invitae Variant Classification Sherloc (09022015). Collection method: clinical testing. Allele origin: germline.
Comment: This sequence change creates a premature translational stop signal (p.Leu269Argfs*6) in the MYH6 gene. It is expected to result in an absent or disrupted protein product. However, the current clinical and genetic evidence is not sufficient to establish whether loss-of-function variants in MYH6 cause disease. This variant is not present in population databases (gnomAD no frequency). This variant has not been reported in the literature in individuals affected with MYH6-related conditions. In summary, the available evidence is currently insufficient to determine the role of this variant in disease. Therefore, it has been classified as a Variant of Uncertain Significance.